The following is an entry in ClinVar:

NM_000090.4(COL3A1):c.1050+5A>G

Gene: COL3A1 (collagen type III alpha 1 chain; plus strand). Cytogenetic location: 2q32.2.
Variant type: single nucleotide variant.
Coding change: c.1050+5A>G on transcript NM_000090.4 (MANE Select); 5 bases into the intron after coding-DNA position 1050, A replaced by G.
Molecular consequence: intron variant.
Genome position (GRCh38, 1-based): chr2:188,992,945, A>G. VCF-style: chr2-188992945-A-G. GRCh37 (hg19) VCF-style: chr2-189857671-A-G.
Identifiers: ClinVar variation 4758877 (VCV004758877.1).
Genomic context (GRCh38, chr2:188,992,945, plus strand): 5'-AGGGCCCTCCTGGTCCTCCTGGAACTGCCGGATTCCCTGGATCCCCTGGTGCTAAGGTAA[A>G]CATGTGTTTCTATAGAAGGGTATAAAAATATCTTGGAGGCAAGAGAAAAGCATTAGATTG-3'

ClinVar aggregate classification (germline): Uncertain significance (1 of 4 stars; one submission).

Conditions:
Familial thoracic aortic aneurysm and aortic dissection (TAAD). Also called: Thoracic aortic aneurysms and dissections. Identifiers: Orphanet 91387, MedGen C4707243, MONDO:0019625.

Submission:

Color Diagnostics, LLC DBA Color Health
Classification: Uncertain significance for Familial thoracic aortic aneurysm and aortic dissection. Last evaluated: 2025-07-14. Review status: criteria provided, single submitter. Criteria: ACMG Guidelines, 2015. Collection method: clinical testing. Allele origin: germline.
Comment: This variant causes an A to G nucleotide substitution at the +5 position of intron 15/50 of the COL3A1 gene. To our knowledge, functional studies have not been reported for this variant. This variant has not been reported in individuals affected with COL3A1-related disorders in the literature. This variant has not been identified in the general population by the Genome Aggregation Database (gnomAD). The available evidence is insufficient to determine the role of this variant in disease conclusively. Therefore, this variant is classified as a Variant of Uncertain Significance.